The following is an entry in ClinVar:

NM_001848.3(COL6A1):c.920G>A (p.Arg307His)

Gene: COL6A1 (collagen type VI alpha 1 chain; plus strand). Cytogenetic location: 21q22.3.
Variant type: single nucleotide variant.
Coding change: c.920G>A on transcript NM_001848.3 (MANE Select); coding-DNA position 920, G replaced by A.
Protein change: p.Arg307His; replaces arginine 307 with histidine.
Molecular consequence: missense variant.
Genome position (GRCh38, 1-based): chr21:45,989,768, G>A. VCF-style: chr21-45989768-G-A. GRCh37 (hg19) VCF-style: chr21-47409682-G-A.
Other names: c.920G>A (NM_001848.2); short protein forms R307H.
Identifiers: ClinVar variation 1435417 (VCV001435417.11), dbSNP rs145838277, ClinGen allele CA10069869.
Genomic context (GRCh38, chr21:45,989,768, plus strand): 5'-CACTAACAAGCCTTCCTCTTCCTCTTCTTCCGCTGGGTGTGTAGGGAGAAAAAGGGAGCC[G>A]TGGGGAGAAGGTGAGTGAGGCTCGACCTCGGAGCTGGTCTCTCCAGGCGCAGATGTGCCA-3'
Protein context (NP_001839.2, residues 297-317): YQGMKGEKGS[Arg307His]GEKGSRGPKG

ClinVar aggregate classification (germline): Conflicting classifications of pathogenicity. Review status: criteria provided, conflicting classifications (1 of 4 stars). 2 submissions from 2 submitters: Uncertain significance (1); Benign (1). Last evaluated 2025-12-16.

Conditions:
Inborn genetic diseases. Identifiers: MedGen C0950123, MeSH D030342.
Bethlem myopathy 1A. Also called: MYOPATHY, BENIGN CONGENITAL, WITH CONTRACTURES; Bethlem Muscular Dystrophy; Bethlem myopathy 1. Identifiers: Orphanet 610, MedGen CN029274, MONDO:0024530, OMIM 158810.

Allele frequency attached by ClinVar (database versions not stated): ExAC 0.00003; gnomAD exomes 0.00004 and 0.00002; TOPMed 0.00005; ESP Exome Variant Server 0.00008; 1000 Genomes Project 30x 0.00016; 1000 Genomes Project 0.00020; gnomAD 0.00001 and 0.00002.
gnomAD v4.1: 25 of 1,612,914 alleles (0.0015%); highest among the groups gnomAD compares: East Asian, 0.025%; no homozygotes.

Submissions (2):

Ambry Genetics
Classification: Uncertain significance for Inborn genetic diseases. Last evaluated: 2025-12-16. Review status: criteria provided, single submitter. Criteria: Ambry Variant Classification Scheme 2023. Collection method: clinical testing. Allele origin: germline.
Comment: The c.920G>A (p.R307H) alteration is located in exon 11 (coding exon 11) of the COL6A1 gene. This alteration results from a G to A substitution at nucleotide position 920, causing the arginine (R) at amino acid position 307 to be replaced by a histidine (H). Based on data from gnomAD, the A allele has an overall frequency of 0.004% (9/250600) total alleles studied. The highest observed frequency was 0.044% (8/18382) of East Asian alleles. Based on insufficient or conflicting evidence, the clinical significance of this alteration remains unclear.

Labcorp Genetics (formerly Invitae), Labcorp
Classification: Benign for Bethlem myopathy 1A. Last evaluated: 2023-12-19. Review status: criteria provided, single submitter. Criteria: Invitae Variant Classification Sherloc (09022015). Collection method: clinical testing. Allele origin: germline.